The following is an entry in ClinVar:

NM_003482.4(KMT2D):c.33A>T (p.Lys11Asn)

Gene: KMT2D (lysine methyltransferase 2D; minus strand). Cytogenetic location: 12q13.12.
Variant type: single nucleotide variant.
Coding change: c.33A>T on transcript NM_003482.4 (MANE Select); coding-DNA position 33, A replaced by T.
Protein change: p.Lys11Asn; replaces lysine 11 with asparagine.
Molecular consequence: missense variant.
Genome position (GRCh38, 1-based): chr12:49,055,292, T>A on the plus strand (A>T on the coding strand, the complement: KMT2D is on the minus strand). VCF-style: chr12-49055292-T-A. GRCh37 (hg19) VCF-style: chr12-49449075-T-A.
Other names: short protein forms K11N.
Identifiers: ClinVar variation 1955188 (VCV001955188.6), dbSNP rs754250785, ClinGen allele CA6548821.

ClinVar aggregate classification (germline): Conflicting classifications of pathogenicity. Review status: criteria provided, conflicting classifications (1 of 4 stars). 2 submissions from 2 submitters: Uncertain significance (1); Likely benign (1). Last evaluated 2025-07-21.

Conditions:
Kabuki syndrome. Also called: Kabuki make-up syndrome; NIIKAWA-KUROKI SYNDROME. Identifiers: Orphanet 2322, MedGen C0796004, MONDO:0016512.
KMT2D-related disorder. Also called: KMT2D-Related Disorders.

Allele frequency attached by ClinVar (database versions not stated): gnomAD 0.00003; TOPMed 0.00004.
gnomAD v4.1: 47 of 1,613,924 alleles (0.0029%); highest among the groups gnomAD compares: Non-Finnish European, 0.0035%; no homozygotes.

Submissions (2):

Labcorp Genetics (formerly Invitae), Labcorp
Classification: Uncertain significance for Kabuki syndrome. Last evaluated: 2025-07-21. Review status: criteria provided, single submitter. Criteria: Invitae Variant Classification Sherloc (09022015). Collection method: clinical testing. Allele origin: germline.
Comment: This sequence change replaces lysine, which is basic and polar, with asparagine, which is neutral and polar, at codon 11 of the KMT2D protein (p.Lys11Asn). This variant is present in population databases (rs754250785, gnomAD 0.006%). This variant has not been reported in the literature in individuals affected with KMT2D-related conditions. ClinVar contains an entry for this variant (Variation ID: 1955188). Invitae Evidence Modeling of protein sequence and biophysical properties (such as structural, functional, and spatial information, amino acid conservation, physicochemical variation, residue mobility, and thermodynamic stability) has been performed for this missense variant. However, the output from this modeling did not meet the statistical confidence thresholds required to predict the impact of this variant on KMT2D protein function. In summary, the available evidence is currently insufficient to determine the role of this variant in disease. Therefore, it has been classified as a Variant of Uncertain Significance.

PreventionGenetics, part of Exact Sciences
Classification: Likely benign for KMT2D-related condition. Last evaluated: 2025-04-23. Review status: criteria provided, single submitter. Criteria: ACMG Guidelines, 2015. Collection method: clinical testing. Allele origin: germline.
Comment: This variant is classified as likely benign based on ACMG/AMP sequence variant interpretation guidelines (Richards et al. 2015 PMID: 25741868, with internal and published modifications).